The following is an entry in ClinVar:

NM_181458.4(PAX3):c.863A>G (p.His288Arg)

Gene: PAX3 (paired box 3; minus strand). Cytogenetic location: 2q36.1.
Variant type: single nucleotide variant.
Coding change: c.863A>G on transcript NM_181458.4 (MANE Select); coding-DNA position 863, A replaced by G.
Protein change: p.His288Arg; replaces histidine 288 with arginine.
Molecular consequence: missense variant.
Genome position (GRCh38, 1-based): chr2:222,221,317, T>C on the plus strand (A>G on the coding strand, the complement: PAX3 is on the minus strand). VCF-style: chr2-222221317-T-C. GRCh37 (hg19) VCF-style: chr2-223086036-T-C.
Other names: c.860A>G, p.His287Arg (NM_001127366.3); c.863A>G, p.His288Arg (NM_181457.4, NM_181459.4, NM_181460.4 and 1 more transcripts); short protein forms H287R, H288R.
Identifiers: ClinVar variation 2636714 (VCV002636714.1), dbSNP rs776672400, ClinGen allele CA66332141.

ClinVar aggregate classification (germline): Uncertain significance (1 of 4 stars; one submission).

Conditions:
PAX3-related disorder. Also called: PAX3-related condition.

Allele frequency attached by ClinVar (database versions not stated): gnomAD exomes 0.00001.
gnomAD v4.1: 7 of 1,614,102 alleles (0.00043%); highest among the groups gnomAD compares: South Asian, 0.0066%; no homozygotes.

Submission:

PreventionGenetics, part of Exact Sciences
Classification: Uncertain significance for PAX3-related condition. Last evaluated: 2023-10-10. Review status: criteria provided, single submitter. Criteria: ACMG Guidelines, 2015. Collection method: clinical testing. Allele origin: germline.
Comment: The PAX3 c.863A>G variant is predicted to result in the amino acid substitution p.His288Arg. To our knowledge, this variant has not been reported in the literature. This variant is reported in 0.013% of alleles in individuals of South Asian descent in gnomAD. At this time, the clinical significance of this variant is uncertain due to the absence of conclusive functional and genetic evidence.